The following is an entry in ClinVar:

NM_002087.4(GRN):c.680G>A (p.Gly227Glu)

Gene: GRN (granulin precursor; plus strand). Cytogenetic location: 17q21.31.
Variant type: single nucleotide variant.
Coding change: c.680G>A on transcript NM_002087.4 (MANE Select); coding-DNA position 680, G replaced by A.
Protein change: p.Gly227Glu; replaces glycine 227 with glutamic acid.
Molecular consequence: missense variant.
Genome position (GRCh38, 1-based): chr17:44,350,772, G>A. VCF-style: chr17-44350772-G-A. GRCh37 (hg19) VCF-style: chr17-42428140-G-A.
Other names: short protein forms G227E.
Identifiers: ClinVar variation 1965573 (VCV001965573.5), dbSNP rs1294040466, ClinGen allele CA399764406.

ClinVar aggregate classification (germline): Uncertain significance (1 of 4 stars; one submission).

Conditions:
Neuronal ceroid lipofuscinosis 11. Also called: GRN-Related Neuronal Ceroid-Lipofuscinosis. Identifiers: Orphanet 314629, Orphanet 79262, MedGen C3539123, MONDO:0013866, OMIM 614706.
GRN-related frontotemporal lobar degeneration with Tdp43 inclusions (FTD2). Also called: GRN Frontotemporal Dementia; FRONTOTEMPORAL DEMENTIA WITH TDP43 INCLUSIONS, GRN-RELATED; DEMENTIA, HEREDITARY DYSPHASIC DISINHIBITION; FRONTOTEMPORAL LOBAR DEGENERATION WITH UBIQUITIN-POSITIVE INCLUSIONS; FTLD-TDP, GRN-RELATED. Identifiers: Orphanet 100070, Orphanet 282, MedGen C1843792, MONDO:0011842, OMIM 607485. Disease mechanism: loss of function.

Submission:

Labcorp Genetics (formerly Invitae), Labcorp
Classification: Uncertain significance for Neuronal ceroid lipofuscinosis 11; GRN-related frontotemporal lobar degeneration with Tdp43 inclusions. Last evaluated: 2022-02-05. Review status: criteria provided, single submitter. Criteria: Invitae Variant Classification Sherloc (09022015). Collection method: clinical testing. Allele origin: germline.
Comment: In summary, the available evidence is currently insufficient to determine the role of this variant in disease. Therefore, it has been classified as a Variant of Uncertain Significance. Algorithms developed to predict the effect of missense changes on protein structure and function are either unavailable or do not agree on the potential impact of this missense change (SIFT: "Tolerated"; PolyPhen-2: "Probably Damaging"; Align-GVGD: "Class C0"). This variant has not been reported in the literature in individuals affected with GRN-related conditions. This variant is not present in population databases (gnomAD no frequency). This sequence change replaces glycine, which is neutral and non-polar, with glutamic acid, which is acidic and polar, at codon 227 of the GRN protein (p.Gly227Glu).